The following is an entry in ClinVar:

ClinVar aggregate classification (germline): Uncertain significance (1 of 4 stars; one submission).

Conditions:
Ataxia-telangiectasia syndrome (AT). Also called: LOUIS-BAR SYNDROME; Ataxia-telangiectasia; Cerebello-oculocutaneous telangiectasia; Immunodeficiency with ataxia telangiectasia; ATAXIA-TELANGIECTASIA, COMPLEMENTATION GROUP A; ATAXIA-TELANGIECTASIA, FRESNO VARIANT. Identifiers: Orphanet 100, MedGen C0004135, MONDO:0008840, OMIM 208900.

Submission:

Labcorp Genetics (formerly Invitae), Labcorp
Classification: Uncertain significance for Ataxia-telangiectasia syndrome. Last evaluated: 2021-10-26. Review status: criteria provided, single submitter. Criteria: Invitae Variant Classification Sherloc (09022015). Collection method: clinical testing. Allele origin: germline.
Comment: In summary, the available evidence is currently insufficient to determine the role of this variant in disease. Therefore, it has been classified as a Variant of Uncertain Significance. Experimental studies and prediction algorithms are not available or were not evaluated, and the functional significance of this variant is currently unknown. This variant has not been reported in the literature in individuals affected with ATM-related conditions. This variant is not present in population databases (ExAC no frequency). This variant, c.5028_5045del, results in the deletion of 6 amino acid(s) of the ATM protein (p.Glu1677_Asp1682del), but otherwise preserves the integrity of the reading frame.

NM_000051.4(ATM):c.5028_5045del (p.Glu1677_Asp1682del)

Gene: ATM (ATM serine/threonine kinase; plus strand). Cytogenetic location: 11q22.3.
Variant type: Deletion.
Coding change: c.5028_5045del on transcript NM_000051.4 (MANE Select); coding-DNA positions 5028 to 5045, 18 bases deleted (AGAAGTGGGTCCTATAGA).
Protein change: p.Glu1677_Asp1682del.
Molecular consequence: inframe deletion.
Genome position (GRCh38, 1-based): chr11:108,299,736-108,299,753, AGAAGTGGGTCCTATAGA deleted. VCF-style (leftmost placement, unchanged base first): chr11-108299735-GAGAAGTGGGTCCTATAGA-G. GRCh37 (hg19) VCF-style: chr11-108170462-GAGAAGTGGGTCCTATAGA-G.
Other names: c.5028_5045del, p.Glu1677_Asp1682del (NM_001351834.2).
Identifiers: ClinVar variation 1484672 (VCV001484672.6), dbSNP rs2135888605, ClinGen allele CA2573146447.